The following is an entry in ClinVar:

ClinVar aggregate classification (germline): Uncertain significance. Review status: criteria provided, multiple submitters, no conflicts (2 of 4 stars). 3 submissions from 3 submitters: Uncertain significance (3). Last evaluated 2026-04-24.

Conditions:
DMXL2-related disorder. Also called: DMXL2-related condition.
Inborn genetic diseases. Identifiers: MedGen C0950123, MeSH D030342.

Allele frequency attached by ClinVar (database versions not stated): TOPMed 0.00003; ExAC 0.00005; gnomAD 0.00007.
gnomAD v4.1: 120 of 1,613,556 alleles (0.0074%); highest among the groups gnomAD compares: Non-Finnish European, 0.01%; no homozygotes.

Submissions (3):

PreventionGenetics, part of Exact Sciences
Classification: Uncertain significance for DMXL2-related condition. Last evaluated: 2026-04-24. Review status: criteria provided, single submitter. Criteria: ACMG Guidelines, 2015. Collection method: clinical testing. Allele origin: germline.
Comment: The DMXL2 c.812C>G variant is predicted to result in the amino acid substitution p.Thr271Ser. This variant was reported in an individual with hypogonadotropic hypogonadism, however pathogenic variant in NDNF gene was also present in this individual (Dwyer et al. 2023. PubMed ID: 36268624). This variant is reported in 0.011% of alleles in individuals of European (Non-Finnish) descent in gnomAD. Although we suspect that this variant may be benign, at this time, the clinical significance of this variant is uncertain due to the absence of conclusive functional and genetic evidence.

Ambry Genetics
Classification: Uncertain significance for Inborn genetic diseases. Last evaluated: 2023-12-27. Review status: criteria provided, single submitter. Criteria: Ambry Variant Classification Scheme 2023. Collection method: clinical testing. Allele origin: germline.

Labcorp Genetics (formerly Invitae), Labcorp
Classification: Uncertain significance. Last evaluated: 2022-10-13. Review status: criteria provided, single submitter. Criteria: Invitae Variant Classification Sherloc (09022015). Collection method: clinical testing. Allele origin: germline.
Comment: This sequence change replaces threonine, which is neutral and polar, with serine, which is neutral and polar, at codon 271 of the DMXL2 protein (p.Thr271Ser). This variant is present in population databases (rs563619175, gnomAD 0.01%). This variant has not been reported in the literature in individuals affected with DMXL2-related conditions. ClinVar contains an entry for this variant (Variation ID: 1443485). Algorithms developed to predict the effect of missense changes on protein structure and function are either unavailable or do not agree on the potential impact of this missense change (SIFT: "Tolerated"; PolyPhen-2: "Probably Damaging"; Align-GVGD: "Class C0"). In summary, the available evidence is currently insufficient to determine the role of this variant in disease. Therefore, it has been classified as a Variant of Uncertain Significance.

NM_001378457.1(DMXL2):c.812C>G (p.Thr271Ser)

Gene: DMXL2 (Dmx like 2; minus strand). Cytogenetic location: 15q21.2.
Variant type: single nucleotide variant.
Coding change: c.812C>G on transcript NM_001378457.1 (MANE Select); coding-DNA position 812, C replaced by G.
Protein change: p.Thr271Ser; replaces threonine 271 with serine.
Molecular consequence: missense variant. On other transcripts: non-coding transcript variant (2).
Genome position (GRCh38, 1-based): chr15:51,545,701, G>C on the plus strand (C>G on the coding strand, the complement: DMXL2 is on the minus strand). VCF-style: chr15-51545701-G-C. GRCh37 (hg19) VCF-style: chr15-51837898-G-C.
Other names: c.812C>G (NM_001174116.1); c.812C>G, p.Thr271Ser (NM_001174116.3, NM_001174117.3, NM_001378458.1 and 7 more transcripts); short protein forms T271S.
Identifiers: ClinVar variation 1443485 (VCV001443485.8), dbSNP rs563619175, ClinGen allele CA7562726.